The following is an entry in ClinVar:

ClinVar aggregate classification (germline): Uncertain significance (1 of 4 stars; one submission).

Conditions:
Oligodontia-cancer predisposition syndrome. Also called: TOOTH AGENESIS-COLORECTAL CANCER SYNDROME. Identifiers: Orphanet 300576, MedGen C1837750, MONDO:0012075, OMIM 608615. Disease mechanism: loss of function.

Submission:

Labcorp Genetics (formerly Invitae), Labcorp
Classification: Uncertain significance for Oligodontia-cancer predisposition syndrome. Last evaluated: 2022-05-05. Review status: criteria provided, single submitter. Criteria: Invitae Variant Classification Sherloc (09022015). Collection method: clinical testing. Allele origin: germline.
Comment: In summary, the available evidence is currently insufficient to determine the role of this variant in disease. Therefore, it has been classified as a Variant of Uncertain Significance. Algorithms developed to predict the effect of missense changes on protein structure and function are either unavailable or do not agree on the potential impact of this missense change (SIFT: "Tolerated"; PolyPhen-2: "Probably Damaging"; Align-GVGD: "Class C15"). This variant has not been reported in the literature in individuals affected with AXIN2-related conditions. This variant is not present in population databases (gnomAD no frequency). This sequence change replaces glutamic acid, which is acidic and polar, with lysine, which is basic and polar, at codon 706 of the AXIN2 protein (p.Glu706Lys).

NM_004655.4(AXIN2):c.2116G>A (p.Glu706Lys)

Gene: AXIN2 (axin 2; minus strand). Cytogenetic location: 17q24.1.
Variant type: single nucleotide variant.
Coding change: c.2116G>A on transcript NM_004655.4 (MANE Select); coding-DNA position 2116, G replaced by A.
Protein change: p.Glu706Lys; replaces glutamic acid 706 with lysine.
Molecular consequence: missense variant.
Genome position (GRCh38, 1-based): chr17:65,536,345, C>T on the plus strand (G>A on the coding strand, the complement: AXIN2 is on the minus strand). VCF-style: chr17-65536345-C-T. GRCh37 (hg19) VCF-style: chr17-63532463-C-T.
Other names: c.1921G>A, p.Glu641Lys (NM_001363813.1); short protein forms E641K, E706K.
Identifiers: ClinVar variation 2134292 (VCV002134292.4), dbSNP rs121908567, ClinGen allele CA400675957.
Genomic context (GRCh38, chr17:65,536,345, plus strand): 5'-CCTGCCTCAACCTAGGACCCTTCACTTCCACTCACCGCTGCTTTGGGGGCTTCGACACCT[C>T]AGCTAGCCTGCGACAGGCCTCCTCCAGCTGAGCCAGCGTGTTGGGTGGGGTCAGGGGAGG-3'
Protein context (NP_004646.3, residues 696-716): QLEEACRRLA[Glu706Lys]VSKPPKQRCC